The following is an entry in ClinVar:

ClinVar aggregate classification (germline): Uncertain significance (1 of 4 stars; one submission).

Conditions:
Cardiovascular phenotype. Identifiers: MedGen CN230736.
Hereditary cancer-predisposing syndrome. Also called: Tumor predisposition; Neoplastic Syndromes, Hereditary; Hereditary Cancer Syndrome; Hereditary neoplastic syndrome. Identifiers: Orphanet 140162, MedGen C0027672, MeSH D009386, MONDO:0015356.

gnomAD v4.1: 1 of 1,611,696 alleles (0.000062%); highest among the groups gnomAD compares: Non-Finnish European, 0.000085%; no homozygotes.

Submission:

Ambry Genetics
Classification: Uncertain significance for Cardiovascular phenotype; Hereditary cancer-predisposing syndrome. Last evaluated: 2025-01-09. Review status: criteria provided, single submitter. Criteria: Ambry Variant Classification Scheme 2023. Collection method: clinical testing. Allele origin: germline.
Comment: The p.T990I variant (also known as c.2969C>T), located in coding exon 22 of the NF1 gene, results from a C to T substitution at nucleotide position 2969. The threonine at codon 990 is replaced by isoleucine, an amino acid with similar properties. This amino acid position is conserved. In addition, the in silico prediction for this alteration is inconclusive. Based on the available evidence, the clinical significance of this variant remains unclear.

NM_001042492.3(NF1):c.2969C>T (p.Thr990Ile)

Gene: NF1 (neurofibromin 1; plus strand). Cytogenetic location: 17q11.2.
Variant type: single nucleotide variant.
Coding change: c.2969C>T on transcript NM_001042492.3 (MANE Select); coding-DNA position 2969, C replaced by T.
Protein change: p.Thr990Ile; replaces threonine 990 with isoleucine.
Molecular consequence: missense variant.
Genome position (GRCh38, 1-based): chr17:31,229,953, C>T. VCF-style: chr17-31229953-C-T. GRCh37 (hg19) VCF-style: chr17-29556971-C-T.
Other names: c.2969C>T, p.Thr990Ile (NM_000267.4); short protein forms T990I.
Identifiers: ClinVar variation 3879053 (VCV003879053.1).